The following is an entry in ClinVar:

NM_001040142.2(SCN2A):c.1177A>G (p.Thr393Ala)

Gene: SCN2A (sodium voltage-gated channel alpha subunit 2; plus strand). Cytogenetic location: 2q24.3.
Variant type: single nucleotide variant.
Coding change: c.1177A>G on transcript NM_001040142.2 (MANE Select); coding-DNA position 1177, A replaced by G.
Protein change: p.Thr393Ala; replaces threonine 393 with alanine.
Molecular consequence: missense variant.
Genome position (GRCh38, 1-based): chr2:165,313,902, A>G. VCF-style: chr2-165313902-A-G. GRCh37 (hg19) VCF-style: chr2-166170412-A-G.
Other names: c.1177A>G, p.Thr393Ala (NM_001040143.2, NM_001371246.1, NM_001371247.1 and 1 more transcripts); short protein forms T393A.
Identifiers: ClinVar variation 2507257 (VCV002507257.2), dbSNP rs2467902379, ClinGen allele CA349021407.

ClinVar aggregate classification (germline): Uncertain significance (1 of 4 stars; one submission).

Allele frequency attached by ClinVar (database versions not stated): gnomAD exomes below 0.00001.
gnomAD v4.1: 2 of 1,613,790 alleles (0.00012%); highest among the groups gnomAD compares: Non-Finnish European, 0.00017%; no homozygotes.

Submission:

GeneDx
Classification: Uncertain significance. Last evaluated: 2026-09-28. Review status: criteria provided, single submitter. Criteria: GeneDx Variant Classification Process June 2021. Collection method: clinical testing. Allele origin: germline.
Comment: Not observed at significant frequency in large population cohorts (gnomAD); In silico analysis supports that this missense variant has a deleterious effect on protein structure/function; Has not been previously published as pathogenic or benign to our knowledge; This substitution is predicted to be within the pore forming loop between the S5 and S6 transmembrane segments of the first homologous domain